The following is an entry in ClinVar:

NM_172362.3(KCNH1):c.2327C>G (p.Ala776Gly)

Gene: KCNH1 (potassium voltage-gated channel subfamily H member 1; minus strand). Cytogenetic location: 1q32.2.
Variant type: single nucleotide variant.
Coding change: c.2327C>G on transcript NM_172362.3 (MANE Select); coding-DNA position 2327, C replaced by G.
Protein change: p.Ala776Gly; replaces alanine 776 with glycine.
Molecular consequence: missense variant.
Genome position (GRCh38, 1-based): chr1:210,683,924, G>C on the plus strand (C>G on the coding strand, the complement: KCNH1 is on the minus strand). VCF-style: chr1-210683924-G-C. GRCh37 (hg19) VCF-style: chr1-210857266-G-C.
Other names: c.2246C>G, p.Ala749Gly (NM_002238.4); short protein forms A749G, A776G.
Identifiers: ClinVar variation 1124856 (VCV001124856.35), dbSNP rs138931464, ClinGen allele CA1379704.

ClinVar aggregate classification (germline): Conflicting classifications of pathogenicity. Review status: criteria provided, conflicting classifications (1 of 4 stars). 5 submissions from 5 submitters: Uncertain significance (1); Benign (1); Likely benign (3). Last evaluated 2026-06-18.

Allele frequency attached by ClinVar (database versions not stated): ExAC 0.00018; 1000 Genomes Project 0.00020; gnomAD 0.00020 and 0.00021; TOPMed 0.00023; 1000 Genomes Project 30x 0.00031; gnomAD exomes 0.00042 and 0.00020; ESP Exome Variant Server 0.00054.
gnomAD v4.1: 636 of 1,612,490 alleles (0.039%); highest among the groups gnomAD compares: Middle Eastern, 0.066%; no homozygotes.

Submissions (5):

Women's Health and Genetics/Laboratory Corporation of America, LabCorp
Classification: Uncertain significance. Last evaluated: 2026-06-18. Review status: criteria provided, single submitter. Criteria: LabCorp Variant Classification Summary - May 2015. Collection method: clinical testing. Allele origin: germline.
Comment: Variant summary: KCNH1 c.2327C>G (p.Ala776Gly) results in a non-conservative amino acid change in the encoded protein sequence. Algorithms developed to predict the effect of missense changes on protein structure and function are either unavailable or do not agree on the potential impact of this missense change. The variant allele was found at a frequency of 0.0002 in 250966 control chromosomes. This frequency is not significantly higher than estimated for disease-causing variants in KCNH1, allowing no conclusion about variant significance. To our knowledge, no occurrence of c.2327C>G in individuals affected with KCNH1-related conditions and no experimental evidence demonstrating its impact on protein function have been reported. ClinVar contains an entry for this variant (Variation ID: 1124856). Based on the evidence outlined above, the variant was classified as uncertain significance.

Labcorp Genetics (formerly Invitae), Labcorp
Classification: Likely benign. Last evaluated: 2026-01-01. Review status: criteria provided, single submitter. Criteria: Invitae Variant Classification Sherloc (09022015). Collection method: clinical testing. Allele origin: germline.

Blueprint Genetics
Classification: Likely benign. Last evaluated: 2024-10-28. Review status: criteria provided, single submitter. Criteria: ACMG Guidelines, 2015. Collection method: clinical testing. Allele origin: germline.

CeGaT Center for Human Genetics Tuebingen
Classification: Likely benign. Last evaluated: 2023-04-01. Review status: criteria provided, single submitter. Criteria: CeGaT Center For Human Genetics Tuebingen Variant Classification Criteria Version 2. Collection method: clinical testing. Allele origin: germline. Affected: yes. Observed: 1 variant allele.
Comment: KCNH1: PP2, BS1

GeneDx
Classification: Benign. Last evaluated: 2018-11-16. Review status: criteria provided, single submitter. Criteria: GeneDx Variant Classification Process June 2021. Collection method: clinical testing. Allele origin: germline. Affected: yes.